The following is an entry in ClinVar:

ClinVar aggregate classification (germline): Uncertain significance (1 of 4 stars; one submission).

Conditions:
Atrial septal defect 5 (ASD5). Identifiers: Orphanet 1478, MedGen C2748552, MONDO:0013011, OMIM 612794.
Hypertrophic cardiomyopathy 11. Also called: ACTC1-Related Familial Hypertrophic Cardiomyopathy. Identifiers: MedGen C2677506, MONDO:0012799, OMIM 612098.
Dilated cardiomyopathy 1R (CMD1R). Identifiers: Orphanet 154, Orphanet 54260, MedGen C3150681, MONDO:0013261, OMIM 613424.

Submission:

Labcorp Genetics (formerly Invitae), Labcorp
Classification: Uncertain significance for Dilated cardiomyopathy 1R; Hypertrophic cardiomyopathy 11; Atrial septal defect 5. Last evaluated: 2025-12-14. Review status: criteria provided, single submitter. Criteria: Invitae Variant Classification Sherloc (09022015). Collection method: clinical testing. Allele origin: germline.
Comment: This sequence change replaces proline, which is neutral and non-polar, with histidine, which is basic and polar, at codon 132 of the ACTC1 protein (p.Pro132His). This variant is not present in population databases (gnomAD no frequency). This variant has not been reported in the literature in individuals affected with ACTC1-related conditions. Invitae Evidence Modeling of protein sequence and biophysical properties (such as structural, functional, and spatial information, amino acid conservation, physicochemical variation, residue mobility, and thermodynamic stability) has been performed for this missense variant. However, the output from this modeling did not meet the statistical confidence thresholds required to predict the impact of this variant on ACTC1 protein function. In summary, the available evidence is currently insufficient to determine the role of this variant in disease. Therefore, it has been classified as a Variant of Uncertain Significance.

NM_005159.5(ACTC1):c.395C>A (p.Pro132His)

Genes: GJD2-DT (GJD2 divergent transcript; plus strand), ACTC1 (actin alpha cardiac muscle 1; minus strand). Cytogenetic location: 15q14.
Variant type: single nucleotide variant.
Coding change: c.395C>A on transcript NM_005159.5 (MANE Select); coding-DNA position 395, C replaced by A.
Protein change: p.Pro132His; replaces proline 132 with histidine.
Molecular consequence: missense variant.
Genome position (GRCh38, 1-based): chr15:34,793,304, G>T on the plus strand (C>A on the coding strand, the complement: ACTC1 is on the minus strand). VCF-style: chr15-34793304-G-T. GRCh37 (hg19) VCF-style: chr15-35085505-G-T.
Other names: c.395C>A, p.Pro132His (NM_001406482.1, NM_001406483.1); c.260C>A, p.Pro87His (NM_001406484.1); c.7C>A, p.Leu3Met (NM_001406485.1); short protein forms L3M, P132H, P87H.
Identifiers: ClinVar variation 4793300 (VCV004793300.1).